The following is an entry in ClinVar:

NM_000179.3(MSH6):c.1209C>G (p.Leu403=)

Gene: MSH6 (mutS homolog 6; plus strand). Cytogenetic location: 2p16.3.
Variant type: single nucleotide variant.
Coding change: c.1209C>G on transcript NM_000179.3 (MANE Select); coding-DNA position 1209, C replaced by G.
Protein change: p.Leu403=; no amino-acid change (leucine 403 retained).
Molecular consequence: synonymous variant.
Genome position (GRCh38, 1-based): chr2:47,799,192, C>G. VCF-style: chr2-47799192-C-G. GRCh37 (hg19) VCF-style: chr2-48026331-C-G.
Other names: c.819C>G, p.Leu273= (NM_001281492.2); c.303C>G, p.Leu101= (NM_001281493.2, NM_001281494.2).
Identifiers: ClinVar variation 220694 (VCV000220694.29), dbSNP rs748603803, ClinGen allele CA067331.

ClinVar aggregate classification (germline): Benign/Likely benign. Review status: criteria provided, multiple submitters, no conflicts (2 of 4 stars). 13 submissions from 13 submitters: Benign (1); Likely benign (10). 2 of the submissions do not count toward it. Last evaluated 2026-01-19.

Conditions:
MSH6-related disorder. Also called: MSH6-related condition; MSH6-Related disorders.
Hereditary nonpolyposis colorectal neoplasms. Identifiers: MedGen C0009405, MeSH D003123.
Breast and/or ovarian cancer. Identifiers: MedGen CN221562.
Hereditary cancer-predisposing syndrome. Also called: Neoplastic Syndromes, Hereditary; Tumor predisposition; Hereditary Cancer Syndrome; Hereditary neoplastic syndrome. Identifiers: Orphanet 140162, MedGen C0027672, MeSH D009386, MONDO:0015356.
Lynch syndrome. Identifiers: Orphanet 144, MedGen C4552100, MONDO:0005835. Disease mechanism: loss of function.
Lynch syndrome 5 (LYNCH5). Also called: Colorectal cancer, hereditary nonpolyposis, type 5; Hereditary non-polyposis colorectal cancer, type 5. Identifiers: Orphanet 144, MedGen C1833477, MONDO:0013710, OMIM 614350. Disease mechanism: loss of function.

Allele frequency attached by ClinVar (database versions not stated): ExAC 0.00001; gnomAD exomes 0.00001; TOPMed 0.00001.
gnomAD v4.1: 41 of 1,614,046 alleles (0.0025%); highest among the groups gnomAD compares: Non-Finnish European, 0.0032%; no homozygotes.

Submissions (13):

Labcorp Genetics (formerly Invitae), Labcorp
Classification: Likely benign for Hereditary nonpolyposis colorectal neoplasms. Last evaluated: 2026-01-19. Review status: criteria provided, single submitter. Criteria: Invitae Variant Classification Sherloc (09022015). Collection method: clinical testing. Allele origin: germline.

PreventionGenetics, part of Exact Sciences
Classification: Likely benign for MSH6-related condition. Last evaluated: 2026-01-08. Review status: criteria provided, single submitter. Criteria: ACMG Guidelines, 2015. Collection method: clinical testing. Allele origin: germline.
Comment: This variant is classified as likely benign based on ACMG/AMP sequence variant interpretation guidelines (Richards et al. 2015 PMID: 25741868, with internal and published modifications).

All of Us Research Program, National Institutes of Health
Classification: Likely benign for Lynch syndrome. Last evaluated: 2023-12-13. Review status: criteria provided, single submitter. Criteria: ACMG Guidelines, 2015. Collection method: clinical testing. Allele origin: germline. Inheritance: Autosomal dominant inheritance. Observed: 5 variant alleles, 5 heterozygotes.
Comment: This study involves interpretation of variants in research participants for the purpose of population health screening. Participant phenotype was not available at the time of variant classification. Additional details can be found in publication PMID: 35346344, PMCID: PMC8962531

Blueprint Genetics
Classification: Likely benign. Last evaluated: 2023-08-07. Review status: criteria provided, single submitter. Criteria: ACMG Guidelines, 2015. Collection method: clinical testing. Allele origin: germline.

Myriad Genetics, Inc.
Classification: Benign for Lynch syndrome 5. Last evaluated: 2023-03-27. Review status: criteria provided, single submitter. Criteria: Myriad Autosomal Dominant, Autosomal Recessive and X-Linked Classification Criteria (2023). Collection method: clinical testing. Allele origin: unknown.
Comment: This variant is considered benign. This variant is a silent/synonymous amino acid change and it is not expected to impact splicing.

Women's Health and Genetics/Laboratory Corporation of America, LabCorp
Classification: Likely benign. Last evaluated: 2022-01-15. Review status: criteria provided, single submitter. Criteria: LabCorp Variant Classification Summary - May 2015. Collection method: clinical testing. Allele origin: germline.

Quest Diagnostics Nichols Institute San Juan Capistrano
Classification: Likely benign. Last evaluated: 2021-07-07. Review status: criteria provided, single submitter. Criteria: Quest Diagnostics criteria. Collection method: clinical testing. Allele origin: unknown.

CHEO Genetics Diagnostic Laboratory, Children's Hospital of Eastern Ontario
Classification: Likely benign for Breast and/or ovarian cancer. Last evaluated: 2020-12-31. Review status: criteria provided, single submitter. Criteria: ACMG Guidelines, 2015. Collection method: clinical testing. Allele origin: germline.

Color Diagnostics, LLC DBA Color Health
Classification: Likely benign for Hereditary cancer-predisposing syndrome. Last evaluated: 2017-04-03. Review status: criteria provided, single submitter. Criteria: ACMG Guidelines, 2015. Collection method: clinical testing. Allele origin: germline.

GeneDx
Classification: Likely benign. Last evaluated: 2016-09-19. Review status: criteria provided, single submitter. Criteria: GeneDx Variant Classification (06012015). Collection method: clinical testing. Allele origin: germline. Affected: yes.
Comment: This variant is considered likely benign or benign based on one or more of the following criteria: it is a conservative change, it occurs at a poorly conserved position in the protein, it is predicted to be benign by multiple in silico algorithms, and/or has population frequency not consistent with disease.

Ambry Genetics
Classification: Likely benign for Hereditary cancer-predisposing syndrome. Last evaluated: 2015-08-13. Review status: criteria provided, single submitter. Criteria: Ambry Variant Classification Scheme 2023. Collection method: clinical testing. Allele origin: germline.

Counsyl
Classification: Likely benign for Lynch syndrome 5. Last evaluated: 2016-10-13. Review status: no assertion criteria provided. Collection method: clinical testing. Allele origin: unknown. Not counted in ClinVar's aggregate classification.

Department of Pathology and Laboratory Medicine, Sinai Health System
Classification: Likely benign. Review status: no assertion criteria provided. Collection method: clinical testing. Allele origin: unknown. Affected: yes. Observed: 1 variant allele. Study: The Canadian Open Genetics Repository (COGR). Not counted in ClinVar's aggregate classification.
Comment: The MSH6 p.Leu403= variant was identified in 1 of 3786 proband chromosomes (frequency: 0.0003) from individuals or families with ovarian cancer (Pal 2012). The variant was also identified in dbSNP (ID: rs748603803) as "With Likely benign allele", ClinVar (classified as likely benign by Invitae, Ambry Genetics, Counsyl, GeneDx and Color). The variant was not identified in UMD-LSDB database. The variant was identified in control databases in 3 of 246058 chromosomes at a frequency of 0.00001 (Genome Aggregation Database Feb 27, 2017). The variant was observed in the European population in 3 of 111550 chromosomes (freq: 0.00003); it was not observed in the African, Other, Latino, Ashkenazi Jewish, East Asian, Finnish, or South Asian populations. The p.Leu403= variant is not expected to have clinical significance because it does not result in a change of amino acid and is not located in a known consensus splice site. In addition, in silico or computational prediction software programs (SpliceSiteFinder, MaxEntScan, NNSPLICE, GeneSplicer) do not predict a difference in splicing. In summary, based on the above information the clinical significance of this variant cannot be determined with certainty at this time although we would lean towards a more benign role for this variant. This variant is classified as likely benign.

Literature cited by the submitters: PubMed 23047549 (cited by Quest Diagnostics Nichols Institute San Juan Capistrano and Counsyl).